The following is an entry in ClinVar:

NM_018124.4(RFWD3):c.1139G>A (p.Arg380Gln)

Gene: RFWD3 (ring finger and WD repeat domain 3; minus strand). Cytogenetic location: 16q23.1.
Variant type: single nucleotide variant.
Coding change: c.1139G>A on transcript NM_018124.4 (MANE Select); coding-DNA position 1139, G replaced by A.
Protein change: p.Arg380Gln; replaces arginine 380 with glutamine.
Molecular consequence: missense variant.
Genome position (GRCh38, 1-based): chr16:74,637,911, C>T on the plus strand (G>A on the coding strand, the complement: RFWD3 is on the minus strand). VCF-style: chr16-74637911-C-T. GRCh37 (hg19) VCF-style: chr16-74671809-C-T.
Other names: c.1139G>A, p.Arg380Gln (NM_001370534.1, NM_001370535.1, NM_001370536.1); c.305G>A, p.Arg102Gln (NM_001370537.1, NM_001370539.1, NM_001370540.1 and 2 more transcripts); c.1139G>A (NM_018124.3); short protein forms R102Q, R380Q.
Identifiers: ClinVar variation 3623290 (VCV003623290.3).

ClinVar aggregate classification (germline): Uncertain significance. Review status: criteria provided, multiple submitters, no conflicts (2 of 4 stars). 2 submissions from 2 submitters: Uncertain significance (2). Last evaluated 2025-01-19.

gnomAD v4.1: 1 of 1,612,664 alleles (0.000062%); highest among the groups gnomAD compares: Non-Finnish European, 0.000085%; no homozygotes.

Submissions (2):

Ambry Genetics
Classification: Uncertain significance. Last evaluated: 2025-01-19. Review status: criteria provided, single submitter. Criteria: Ambry Variant Classification Scheme 2023. Collection method: clinical testing. Allele origin: germline.

Labcorp Genetics (formerly Invitae), Labcorp
Classification: Uncertain significance. Last evaluated: 2024-10-16. Review status: criteria provided, single submitter. Criteria: Invitae Variant Classification Sherloc (09022015). Collection method: clinical testing. Allele origin: germline.
Comment: This sequence change replaces arginine, which is basic and polar, with glutamine, which is neutral and polar, at codon 380 of the RFWD3 protein (p.Arg380Gln). This variant is not present in population databases (gnomAD no frequency). This variant has not been reported in the literature in individuals affected with RFWD3-related conditions. An algorithm developed to predict the effect of missense changes on protein structure and function (PolyPhen-2) suggests that this variant is likely to be tolerated. In summary, the available evidence is currently insufficient to determine the role of this variant in disease. Therefore, it has been classified as a Variant of Uncertain Significance.